The following is an entry in ClinVar:

NM_000261.2(MYOC):c.855G>T (p.Thr285=)

Gene: MYOC (myocilin; minus strand). Cytogenetic location: 1q24.3.
Variant type: single nucleotide variant.
Coding change: c.855G>T on transcript NM_000261.2 (MANE Select); coding-DNA position 855, G replaced by T.
Protein change: p.Thr285=; no amino-acid change (threonine 285 retained).
Molecular consequence: synonymous variant.
Genome position (GRCh38, 1-based): chr1:171,636,585, C>A on the plus strand (G>T on the coding strand, the complement: MYOC is on the minus strand). VCF-style: chr1-171636585-C-A. GRCh37 (hg19) VCF-style: chr1-171605725-C-A.
Other names: NM_000261.2(MYOC):c.855G>T; p.Thr285=.
Identifiers: ClinVar variation 196241 (VCV000196241.53), dbSNP rs146606638, ClinGen allele CA202234.

ClinVar aggregate classification (germline): Benign. Review status: reviewed by expert panel (3 of 4 stars). 8 submissions from 7 submitters: Benign (1). 7 of the submissions do not count toward it. Last evaluated 2025-11-12.

Conditions:
Open-angle glaucoma. Identifiers: MedGen C0017612, MONDO:0005338, HP:0012108.
Glaucoma. Identifiers: MedGen C0017601, MONDO:0005041, HP:0000501.
Glaucoma 1, open angle, A (GLC1A). Also called: Glaucoma, Dominant (Juvenile Onset). Identifiers: Orphanet 98977, MedGen C1842028, MONDO:0007664, OMIM 137750.

Allele frequency attached by ClinVar (database versions not stated): 1000 Genomes Project 30x 0.00141; 1000 Genomes Project 0.00160; TOPMed 0.00183; ESP Exome Variant Server 0.00223; gnomAD 0.00332 and 0.00344; ExAC 0.00388.

Submissions (8):

ClinGen Glaucoma Variant Curation Expert Panel
Classification: Benign for Open-angle glaucoma. Last evaluated: 2025-11-12. Review status: reviewed by expert panel. Criteria: ClinGen Glaucoma ACMG Specifications V2.0.0 Approved. Collection method: curation. Allele origin: germline. Inheritance: Autosomal dominant inheritance.
Comment: The c.855G>T variant in MYOC is a synonymous variant (p.Thr285=). The highest minor allele frequency of this variant was in the European (Finnish) population of gnomAD (v4.1.0) = 0.01723, which met the ≥ 0.01 threshold set for BA1 (1,101 alleles out of 63,896, meeting the threshold of ≥ 5 of at least 2,000 observed alleles). The SpliceAI score = 0, which met the ≤ 0.1 threshold for BP4, suggesting that the variant does not impact MYOC function. This synonymous variant meets BP4, so BP7 is met. There was no functional evidence predicting a damaging or benign impact of this variant on MYOC function. As BA1 was met, PP1 did not apply and segregations were not counted. Although probands with Juvenile or primary open angle glaucoma have been reported carrying this variant, PM2_Supporting was not met, therefore PS4 did not apply. In summary, this variant was classified as benign (BA1 is a stand-alone criterion for a benign level of pathogenicity) for juvenile open angle glaucoma based on the ACMG/AMP criteria met, as specified by the ClinGen Glaucoma VCEP (v2.0.0, 5 Dec 2024): BA1, BP4, BP7

Labcorp Genetics (formerly Invitae), Labcorp
Classification: Benign. Last evaluated: 2025-11-12. Review status: criteria provided, single submitter. Criteria: Invitae Variant Classification Sherloc (09022015). Collection method: clinical testing. Allele origin: germline. Not counted in ClinVar's aggregate classification.

Blueprint Genetics
Classification: Likely benign. Last evaluated: 2024-11-21. Review status: criteria provided, single submitter. Criteria: ACMG Guidelines, 2015. Collection method: clinical testing. Allele origin: germline. Not counted in ClinVar's aggregate classification.

CeGaT Center for Human Genetics Tuebingen
Classification: Likely benign. Last evaluated: 2023-03-01. Review status: criteria provided, single submitter. Criteria: CeGaT Center For Human Genetics Tuebingen Variant Classification Criteria Version 2. Collection method: clinical testing. Allele origin: germline. Affected: yes. Observed: 2 variant alleles. Not counted in ClinVar's aggregate classification.
Comment: MYOC: BP4, BP7

Illumina Laboratory Services, Illumina
Classification: Likely benign for Glaucoma. Last evaluated: 2018-01-12. Review status: criteria provided, single submitter. Criteria: ICSL Variant Classification Criteria 13 December 2019. Collection method: clinical testing. Allele origin: germline. Not counted in ClinVar's aggregate classification.
Comment: This variant was observed in the ICSL laboratory as part of a predisposition screen in an ostensibly healthy population. It had not been previously curated by ICSL or reported in the Human Gene Mutation Database (HGMD: prior to June 1st, 2018), and was therefore a candidate for classification through an automated scoring system. Utilizing variant allele frequency, disease prevalence and penetrance estimates, and inheritance mode, an automated score was calculated to assess if this variant is too frequent to cause the disease. Based on the score and internal cut-off values, a variant classified as likely benign is not then subjected to further curation. The score for this variant resulted in a classification of likely benign for this disease.

Illumina Laboratory Services, Illumina
Classification: Likely benign for Glaucoma 1, open angle, A. Last evaluated: 2018-01-12. Review status: criteria provided, single submitter. Criteria: ICSL Variant Classification Criteria 13 December 2019. Collection method: clinical testing. Allele origin: germline. Not counted in ClinVar's aggregate classification.
Comment: the same text as in the submission from Illumina Laboratory Services, Illumina above.

Eurofins Ntd Llc (ga)
Classification: Benign. Last evaluated: 2014-11-06. Review status: criteria provided, single submitter. Criteria: EGL Classification Definitions 2015. Collection method: clinical testing. Allele origin: germline. Observed: 1 variant allele, 1 heterozygote. Not counted in ClinVar's aggregate classification.

Breakthrough Genomics
Classification: Benign. Review status: criteria provided, single submitter. Criteria: ACMG Guidelines, 2015. Collection method: not provided. Allele origin: germline. Inheritance: Autosomal dominant inheritance. Affected: yes. Not counted in ClinVar's aggregate classification.